The following is an entry in ClinVar:

NM_001267550.2(TTN):c.77093T>G (p.Val25698Gly)

Genes: TTN (titin; minus strand), TTN-AS1 (TTN antisense RNA 1; plus strand). Cytogenetic location: 2q31.2.
Variant type: single nucleotide variant.
Coding change: c.77093T>G on transcript NM_001267550.2 (MANE Select); coding-DNA position 77093, T replaced by G.
Protein change: p.Val25698Gly; replaces valine 25698 with glycine.
Molecular consequence: missense variant.
Genome position (GRCh38, 1-based): chr2:178,569,039, A>C on the plus strand (T>G on the coding strand, the complement: TTN is on the minus strand). VCF-style: chr2-178569039-A-C. GRCh37 (hg19) VCF-style: chr2-179433766-A-C.
Other names: c.72170T>G, p.Val24057Gly (NM_001256850.1); c.49898T>G, p.Val16633Gly (NM_003319.4); c.69389T>G, p.Val23130Gly (NM_133378.4); c.50273T>G, p.Val16758Gly (NM_133432.3); c.50474T>G, p.Val16825Gly (NM_133437.4); short protein forms V16633G, V25698G, V24057G, V16758G, V16825G, V23130G.
Identifiers: ClinVar variation 519051 (VCV000519051.14), dbSNP rs759278736, ClinGen allele CA1989820.

ClinVar aggregate classification (germline): Uncertain significance. Review status: criteria provided, multiple submitters, no conflicts (2 of 4 stars). 6 submissions from 6 submitters: Uncertain significance (6). Last evaluated 2024-09-10.

Conditions:
Cardiovascular phenotype. Identifiers: MedGen CN230736.
Autosomal recessive limb-girdle muscular dystrophy type 2J (LGMDR10). Also called: MUSCULAR DYSTROPHY, LIMB-GIRDLE, AUTOSOMAL RECESSIVE 10; Limb-girdle muscular dystrophy, type 2J. Identifiers: Orphanet 140922, MedGen C1837342, MONDO:0012127, OMIM 608807.
Hypertrophic cardiomyopathy 9. Also called: Familial hypertrophic cardiomyopathy 9. Identifiers: MedGen C1861065, MONDO:0013412, OMIM 613765.
Tibial muscular dystrophy (TMD). Also called: Udd Distal Myopathy – Tibial Muscular Dystrophy; Tibial muscular dystrophy, tardive; UDD MYOPATHY. Identifiers: Orphanet 609, MedGen C1838244, MONDO:0010870, OMIM 600334.
Dilated cardiomyopathy 1G (CMD1G). Identifiers: Orphanet 154, MedGen C1858763, MONDO:0011400, OMIM 604145.
Early-onset myopathy with fatal cardiomyopathy (CMYO5). Also called: Salih Myopathy; CONGENITAL MYOPATHY 5 WITH CARDIOMYOPATHY. Identifiers: Orphanet 289377, MedGen C2673677, MONDO:0012714, OMIM 611705. Disease mechanism: loss of function.
Myopathy, myofibrillar, 9, with early respiratory failure (MFM9). Also called: MYOPATHY, PROXIMAL, WITH EARLY RESPIRATORY MUSCLE INVOLVEMENT; Myopathy, distal, with early respiratory failure, autosomal dominant; Hereditary myopathy with early respiratory failure; EDSTROM MYOPATHY. Identifiers: Orphanet 178464, Orphanet 34521, MedGen C1863599, MONDO:0011362, OMIM 603689.

Allele frequency attached by ClinVar (database versions not stated): gnomAD exomes below 0.00001; ExAC 0.00001; TOPMed 0.00001; gnomAD 0.00003.
gnomAD v4.1: 6 of 1,613,166 alleles (0.00037%); highest among the groups gnomAD compares: African/African-American, 0.0067%; no homozygotes.

Submissions (6):

GeneDx
Classification: Uncertain significance. Last evaluated: 2024-09-10. Review status: criteria provided, single submitter. Criteria: GeneDx Variant Classification Process June 2021. Collection method: clinical testing. Allele origin: germline. Affected: yes.
Comment: Not observed at significant frequency in large population cohorts (gnomAD); Missense variant in a gene in which most reported pathogenic variants are truncating/loss of function; Has not been previously published as pathogenic or benign to our knowledge

Women's Health and Genetics/Laboratory Corporation of America, LabCorp
Classification: Uncertain significance. Last evaluated: 2023-10-26. Review status: criteria provided, single submitter. Criteria: LabCorp Variant Classification Summary - May 2015. Collection method: clinical testing. Allele origin: germline.
Comment: Variant summary: TTN c.69389T>G (p.Val23130Gly) results in a non-conservative amino acid change located in the A-band of the encoded protein sequence. Two of three in-silico tools predict a damaging effect of the variant on protein function. The variant allele was found at a frequency of 4e-06 in 248290 control chromosomes (gnomAD). The available data on variant occurrences in the general population are insufficient to allow any conclusion about variant significance. To our knowledge, no occurrence of c.69389T>G in individuals affected with Limb-Girdle Muscular Dystrophy, Type 2J or Cardiomyopathy and no experimental evidence demonstrating its impact on protein function have been reported. Five submitters have cited clinical-significance assessments for this variant to ClinVar after 2014. All submitters classified the variant as uncertain significance. Based on the evidence outlined above, the variant was classified as uncertain significance.

Fulgent Genetics
Classification: Uncertain significance for Tibial muscular dystrophy; Myopathy, myofibrillar, 9, with early respiratory failure; Dilated cardiomyopathy 1G; Autosomal recessive limb-girdle muscular dystrophy type 2J; Early-onset myopathy with fatal cardiomyopathy; Hypertrophic cardiomyopathy 9. Last evaluated: 2021-12-07. Review status: criteria provided, single submitter. Criteria: ACMG Guidelines, 2015. Collection method: clinical testing. Allele origin: unknown.

Ambry Genetics
Classification: Uncertain significance for Cardiovascular phenotype. Last evaluated: 2020-09-09. Review status: criteria provided, single submitter. Criteria: Ambry Variant Classification Scheme 2023. Collection method: clinical testing. Allele origin: germline.
Comment: The p.V16633G variant (also known as c.49898T>G), located in coding exon 153 of the TTN gene, results from a T to G substitution at nucleotide position 49898. The valine at codon 16633 is replaced by glycine, an amino acid with dissimilar properties. This amino acid position is well conserved in available vertebrate species. In addition, this alteration is predicted to be tolerated by in silico analysis. Since supporting evidence is limited at this time, the clinical significance of this alteration remains unclear.

Revvity Omics, Revvity
Classification: Uncertain significance. Last evaluated: 2020-02-19. Review status: criteria provided, single submitter. Criteria: ACMG Guidelines, 2015. Collection method: clinical testing. Allele origin: germline.

Athena Diagnostics
Classification: Uncertain significance. Last evaluated: 2019-06-30. Review status: criteria provided, single submitter. Criteria: Athena Diagnostics Criteria. Collection method: clinical testing. Allele origin: germline.